The following is an entry in ClinVar:

NM_001267550.2(TTN):c.100994G>A (p.Gly33665Asp)

Genes: TTN (titin; minus strand), TTN-AS1 (TTN antisense RNA 1; plus strand). Cytogenetic location: 2q31.2.
Variant type: single nucleotide variant.
Coding change: c.100994G>A on transcript NM_001267550.2 (MANE Select); coding-DNA position 100994, G replaced by A.
Protein change: p.Gly33665Asp; replaces glycine 33665 with aspartic acid.
Molecular consequence: missense variant.
Genome position (GRCh38, 1-based): chr2:178,535,621, C>T on the plus strand (G>A on the coding strand, the complement: TTN is on the minus strand). VCF-style: chr2-178535621-C-T. GRCh37 (hg19) VCF-style: chr2-179400348-C-T.
Other names: c.96071G>A, p.Gly32024Asp (NM_001256850.1); c.73799G>A, p.Gly24600Asp (NM_003319.4); c.93290G>A, p.Gly31097Asp (NM_133378.4); c.74174G>A, p.Gly24725Asp (NM_133432.3); c.74375G>A, p.Gly24792Asp (NM_133437.4); short protein forms G24600D, G24725D, G24792D, G31097D, G32024D, G33665D.
Identifiers: ClinVar variation 3237414 (VCV003237414.1), dbSNP rs1559049919.

ClinVar aggregate classification (germline): Uncertain significance (1 of 4 stars; one submission).

Conditions:
Hypertrophic cardiomyopathy 9. Also called: Familial hypertrophic cardiomyopathy 9. Identifiers: MedGen C1861065, MONDO:0013412, OMIM 613765.

Submission:

Clinical Genomics Laboratory, Washington University in St. Louis
Classification: Uncertain significance for Hypertrophic cardiomyopathy 9. Last evaluated: 2024-02-19. Review status: criteria provided, single submitter. Criteria: ACMG Guidelines, 2015. Collection method: clinical testing. Allele origin: germline.
Comment: A TTN c.100994G>A (p.Gly33665Asp) variant was identified. This variant, to our knowledge, has not been reported in the medical literature. This variant is absent from the general population (gnomAD v2.1.1), indicating it is not a common variant. Computational predictors indicate that the variant is damaging, evidence that may correlate with impact to TTN function. Due to limited information, and based on ACMG/AMP guidelines for variant interpretation (Richards S et al., PMID: 25741868), the clinical significance of the TTN c.100994G>A (p.Gly33665Asp) variant is uncertain at this time.